The following is an entry in ClinVar:

ClinVar aggregate classification (germline): Uncertain significance. Review status: criteria provided, multiple submitters, no conflicts (2 of 4 stars). 2 submissions from 2 submitters: Uncertain significance (2). Last evaluated 2022-10-25.

Allele frequency attached by ClinVar (database versions not stated): ExAC 0.00001; TOPMed 0.00001; gnomAD exomes 0.00002 and 0.00003; gnomAD 0.00003 and 0.00004.
gnomAD v4.1: 47 of 1,613,872 alleles (0.0029%); highest among the groups gnomAD compares: Non-Finnish European, 0.0039%; no homozygotes.

Submissions (2):

Labcorp Genetics (formerly Invitae), Labcorp
Classification: Uncertain significance. Last evaluated: 2022-10-25. Review status: criteria provided, single submitter. Criteria: Invitae Variant Classification Sherloc (09022015). Collection method: clinical testing. Allele origin: germline.
Comment: This sequence change replaces aspartic acid, which is acidic and polar, with glutamic acid, which is acidic and polar, at codon 161 of the DHX38 protein (p.Asp161Glu). This variant is present in population databases (rs776376075, gnomAD 0.003%). This variant has not been reported in the literature in individuals affected with DHX38-related conditions. ClinVar contains an entry for this variant (Variation ID: 960141). Algorithms developed to predict the effect of missense changes on protein structure and function output the following: SIFT: "Deleterious"; PolyPhen-2: "Benign"; Align-GVGD: "Class C35". The glutamic acid amino acid residue is found in multiple mammalian species, which suggests that this missense change does not adversely affect protein function. In summary, the available evidence is currently insufficient to determine the role of this variant in disease. Therefore, it has been classified as a Variant of Uncertain Significance.

Blueprint Genetics
Classification: Uncertain significance. Last evaluated: 2021-09-28. Review status: criteria provided, single submitter. Criteria: ACMG Guidelines, 2015. Collection method: clinical testing. Allele origin: germline.

NM_014003.4(DHX38):c.483T>A (p.Asp161Glu)

Gene: DHX38 (DEAH-box helicase 38; plus strand). Cytogenetic location: 16q22.2.
Variant type: single nucleotide variant.
Coding change: c.483T>A on transcript NM_014003.4 (MANE Select); coding-DNA position 483, T replaced by A.
Protein change: p.Asp161Glu; replaces aspartic acid 161 with glutamic acid.
Molecular consequence: missense variant.
Genome position (GRCh38, 1-based): chr16:72,096,981, T>A. VCF-style: chr16-72096981-T-A. GRCh37 (hg19) VCF-style: chr16-72130880-T-A.
Other names: short protein forms D161E.
Identifiers: ClinVar variation 960141 (VCV000960141.6), dbSNP rs776376075, ClinGen allele CA8159976.